The following is an entry in ClinVar:

ClinVar aggregate classification (germline): Uncertain significance (1 of 4 stars; one submission).

Conditions:
Fanconi anemia (FA). Also called: Fanconi's anemia. Identifiers: Orphanet 84, MedGen C0015625, MeSH D005199, MONDO:0019391.

gnomAD v4.1: 7 of 1,614,100 alleles (0.00043%); highest among the groups gnomAD compares: South Asian, 0.0033%; no homozygotes.

Submission:

Labcorp Genetics (formerly Invitae), Labcorp
Classification: Uncertain significance for Fanconi anemia. Last evaluated: 2025-11-24. Review status: criteria provided, single submitter. Criteria: Invitae Variant Classification Sherloc (09022015). Collection method: clinical testing. Allele origin: germline.
Comment: This sequence change replaces aspartic acid, which is acidic and polar, with asparagine, which is neutral and polar, at codon 876 of the SLX4 protein (p.Asp876Asn). This variant is not present in population databases (gnomAD no frequency). This variant has not been reported in the literature in individuals affected with SLX4-related conditions. An algorithm developed to predict the effect of missense changes on protein structure and function outputs the following: PolyPhen-2: "Benign". The asparagine amino acid residue is found in multiple mammalian species, which suggests that this missense change does not adversely affect protein function. In summary, the available evidence is currently insufficient to determine the role of this variant in disease. Therefore, it has been classified as a Variant of Uncertain Significance.

NM_032444.4(SLX4):c.2626G>A (p.Asp876Asn)

Gene: SLX4 (SLX4 structure-specific endonuclease subunit; minus strand). Cytogenetic location: 16p13.3.
Variant type: single nucleotide variant.
Coding change: c.2626G>A on transcript NM_032444.4 (MANE Select); coding-DNA position 2626, G replaced by A.
Protein change: p.Asp876Asn; replaces aspartic acid 876 with asparagine.
Molecular consequence: missense variant.
Genome position (GRCh38, 1-based): chr16:3,591,012, C>T on the plus strand (G>A on the coding strand, the complement: SLX4 is on the minus strand). VCF-style: chr16-3591012-C-T. GRCh37 (hg19) VCF-style: chr16-3641013-C-T.
Other names: short protein forms D876N.
Identifiers: ClinVar variation 4766194 (VCV004766194.1).
Genomic context (GRCh38, chr16:3,591,012, plus strand): 5'-CCTGGACACCTGCTAGGAGTTGCCCAGAAACCGGACTGCCACCCTCCAGCCAGTCAGCGT[C>T]CTCGCCGGCACCCGCTGCCCTTTCTTCCTGGAGAAGCTTTCGCTGAGTAGCTGCAAATTC-3'
Protein context (NP_115820.2, residues 866-886): QEERAAGAGE[Asp876Asn]ADWLEGGSPV